The following is an entry in ClinVar:

ClinVar aggregate classification (germline): Benign/Likely benign. Review status: criteria provided, multiple submitters, no conflicts (2 of 4 stars). 8 submissions from 8 submitters: Benign (3); Likely benign (5). Last evaluated 2025-12-30.

Conditions:
Gray platelet syndrome (GPS). Also called: BLEEDING DISORDER, PLATELET-TYPE, 4. Identifiers: Orphanet 721, MedGen C0272302, MONDO:0007686, OMIM 139090.

Allele frequency attached by ClinVar (database versions not stated): 1000 Genomes Project 30x 0.00094; 1000 Genomes Project 0.00120; gnomAD 0.00251 and 0.00252; TOPMed 0.00254; ExAC 0.00298; ESP Exome Variant Server 0.00308.
gnomAD v4.1: 6,084 of 1,585,830 alleles (0.38%); highest among the groups gnomAD compares: Non-Finnish European, 0.46%; 11 homozygotes.

Submissions (8):

Labcorp Genetics (formerly Invitae), Labcorp
Classification: Benign. Last evaluated: 2025-12-30. Review status: criteria provided, single submitter. Criteria: Invitae Variant Classification Sherloc (09022015). Collection method: clinical testing. Allele origin: germline.

Mayo Clinic Laboratories, Mayo Clinic
Classification: Benign. Last evaluated: 2025-09-15. Review status: criteria provided, single submitter. Criteria: ACMG Guidelines, 2015. Collection method: clinical testing. Allele origin: germline. Observed: 5 variant alleles.
Comment: BS1, BP4_strong, BP7

CeGaT Center for Human Genetics Tuebingen
Classification: Likely benign. Last evaluated: 2025-03-01. Review status: criteria provided, single submitter. Criteria: CeGaT Center For Human Genetics Tuebingen Variant Classification Criteria Version 2. Collection method: clinical testing. Allele origin: germline. Affected: yes. Observed: 2 variant alleles.
Comment: NBEAL2: BP4, BP7

Blueprint Genetics
Classification: Likely benign. Last evaluated: 2024-11-26. Review status: criteria provided, single submitter. Criteria: ACMG Guidelines, 2015. Collection method: clinical testing. Allele origin: germline.

Women's Health and Genetics/Laboratory Corporation of America, LabCorp
Classification: Benign. Last evaluated: 2024-03-21. Review status: criteria provided, single submitter. Criteria: LabCorp Variant Classification Summary - May 2015. Collection method: clinical testing. Allele origin: germline.

Genetic Services Laboratory, University of Chicago
Classification: Likely benign. Last evaluated: 2019-05-20. Review status: criteria provided, single submitter. Criteria: ACMG Guidelines, 2015. Collection method: clinical testing. Allele origin: germline. Affected: no.

Illumina Laboratory Services, Illumina
Classification: Likely benign for Gray platelet syndrome. Last evaluated: 2018-01-12. Review status: criteria provided, single submitter. Criteria: ICSL Variant Classification Criteria 13 December 2019. Collection method: clinical testing. Allele origin: germline.
Comment: This variant was observed in the ICSL laboratory as part of a predisposition screen in an ostensibly healthy population. It had not been previously curated by ICSL or reported in the Human Gene Mutation Database (HGMD: prior to June 1st, 2018), and was therefore a candidate for classification through an automated scoring system. Utilizing variant allele frequency, disease prevalence and penetrance estimates, and inheritance mode, an automated score was calculated to assess if this variant is too frequent to cause the disease. Based on the score and internal cut-off values, a variant classified as likely benign is not then subjected to further curation. The score for this variant resulted in a classification of likely benign for this disease.

Breakthrough Genomics
Classification: Likely benign. Review status: criteria provided, single submitter. Criteria: ACMG Guidelines, 2015. Collection method: not provided. Allele origin: germline. Inheritance: Autosomal recessive inheritance. Affected: yes.

NM_015175.3(NBEAL2):c.2376G>A (p.Arg792=)

Gene: NBEAL2 (neurobeachin like 2; plus strand). Cytogenetic location: 3p21.31.
Variant type: single nucleotide variant.
Coding change: c.2376G>A on transcript NM_015175.3 (MANE Select); coding-DNA position 2376, G replaced by A.
Protein change: p.Arg792=; no amino-acid change (arginine 792 retained).
Molecular consequence: synonymous variant.
Genome position (GRCh38, 1-based): chr3:46,996,495, G>A. VCF-style: chr3-46996495-G-A. GRCh37 (hg19) VCF-style: chr3-47037985-G-A.
Other names: p.Arg792=; c.2274G>A, p.Arg758= (NM_001365116.2).
Identifiers: ClinVar variation 345638 (VCV000345638.42), dbSNP rs200489667, ClinGen allele CA2360613.
Genomic context (GRCh38, chr3:46,996,495, plus strand): 5'-GGTGGCCCCCCTGCAGGAGGGCAGCATCGACTCTACCCTCGCAGGCACCCAGGACACTCG[G>A]TGGGGCAGCCCCACATCCCTGGAGGGTGAGCTGGGGGCTGTGGCCATCTTTCACGAAGCC-3'
Protein context (NP_055990.1, residues 782-802): DSTLAGTQDT[Arg792=]WGSPTSLEGE